The following is an entry in ClinVar:

ClinVar aggregate classification (germline): Uncertain significance (1 of 4 stars; one submission).

Allele frequency attached by ClinVar (database versions not stated): TOPMed below 0.00001; gnomAD 0.00001.
gnomAD v4.1: 1 of 1,612,660 alleles (0.000062%); highest among the groups gnomAD compares: Non-Finnish European, 0.000085%; no homozygotes.

Submission:

Ambry Genetics
Classification: Uncertain significance. Last evaluated: 2021-09-22. Review status: criteria provided, single submitter. Criteria: Ambry Variant Classification Scheme 2023. Collection method: clinical testing. Allele origin: germline.
Comment: The p.A393V variant (also known as c.1178C>T), located in coding exon 1 of the MLH3 gene, results from a C to T substitution at nucleotide position 1178. The alanine at codon 393 is replaced by valine, an amino acid with similar properties. This amino acid position is conserved. In addition, the in silico prediction for this alteration is inconclusive. Since supporting evidence is limited at this time, the clinical significance of this alteration remains unclear.

NM_001040108.2(MLH3):c.1178C>T (p.Ala393Val)

Gene: MLH3 (mutL homolog 3; minus strand). Cytogenetic location: 14q24.3.
Variant type: single nucleotide variant.
Coding change: c.1178C>T on transcript NM_001040108.2 (MANE Select); coding-DNA position 1178, C replaced by T.
Protein change: p.Ala393Val; replaces alanine 393 with valine.
Molecular consequence: missense variant.
Genome position (GRCh38, 1-based): chr14:75,048,478, G>A on the plus strand (C>T on the coding strand, the complement: MLH3 is on the minus strand). VCF-style: chr14-75048478-G-A. GRCh37 (hg19) VCF-style: chr14-75515181-G-A.
Other names: c.1178C>T, p.Ala393Val (NM_014381.3); short protein forms A393V.
Identifiers: ClinVar variation 1741252 (VCV001741252.2), dbSNP rs1048840631, ClinGen allele CA263653237.